The following is an entry in ClinVar:

NM_007294.4(BRCA1):c.3485_3491del (p.Asp1162fs)

Genes: BRCA1 (BRCA1 DNA repair associated; minus strand), LOC126862571 (BRD4-independent group 4 enhancer GRCh37_chr17:41243136-41244335; plus strand). Cytogenetic location: 17q21.31.
Variant type: Deletion.
Coding change: c.3485_3491del on transcript NM_007294.4 (MANE Select); coding-DNA positions 3485 to 3491, 7 bases deleted (ATACTAG; older notation c.3485_3491delATACTAG).
Protein change: p.Asp1162fs; shifts the reading frame from aspartic acid 1162.
Molecular consequence: frameshift variant. On other transcripts: intron variant (135).
Genome position (GRCh38, 1-based): chr17:43,092,040-43,092,046, CTAGTAT deleted on the plus strand (ATACTAG on the coding strand, the reverse complement: BRCA1 is on the minus strand); deleting any 7 consecutive bases within chr17:43,092,040-43,092,048 gives the same sequence; the c. name uses the placement nearest the transcript's 3' end. VCF-style (leftmost placement, unchanged base first): chr17-43092039-ACTAGTAT-A. GRCh37 (hg19) VCF-style: chr17-41244056-ACTAGTAT-A.
Other names: 3604del7; c.3272_3278del, p.Asp1091fs (NM_001407898.1, NM_001407899.1, NM_001407915.1 and 9 more transcripts); c.3275_3281del, p.Asp1092fs (NM_001407900.1, NM_001407902.1, NM_001407904.1 and 13 more transcripts); c.3362_3368del, p.Asp1121fs (NM_001407919.1, NM_001407937.1, NM_001407938.1 and 19 more transcripts); c.3221_3227del, p.Asp1074fs (NM_001407920.1, NM_001407921.1, NM_001407922.1 and 9 more transcripts); c.3218_3224del, p.Asp1073fs (NM_001407930.1, NM_001407931.1, NM_001407932.1 and 2 more transcripts); c.3359_3365del, p.Asp1120fs (NM_001407940.1, NM_001407941.1, NM_001407649.1 and 11 more transcripts); c.3344_3350del, p.Asp1115fs (NM_001407942.1, NM_001407944.1, NM_001407945.1 and 29 more transcripts); and 43 more; short protein forms D1162fs, D1115fs, D1034fs, D1114fs, D1135fs, D1159fs, D1035fs, D1050fs.
Identifiers: ClinVar variation 266376 (VCV000266376.6), dbSNP rs886040135, ClinGen allele CA10589748.
Genomic context (GRCh38, chr17:43,092,039, plus strand): 5'-TCCTTTCTGGACGCTTTTGCTAAAAACAGCAGAACTTTCCTTAATGTCATTTTCAGCAAA[ACTAGTAT>A]CTTCCTTTATTTCACCATCATCTAACAGGTCATCAGGTGTCTCAGAACAAACCTGAGATG-3'

ClinVar aggregate classification (germline): Pathogenic. Review status: reviewed by expert panel (3 of 4 stars). 2 submissions from 2 submitters: Pathogenic (1). 1 of the submissions does not count toward it. Last evaluated 2016-10-18.

Conditions:
Breast-ovarian cancer, familial, susceptibility to, 1 (BROVCA1). Also called: BRCA1 Hereditary Breast and Ovarian Cancer; OVARIAN CANCER, SUSCEPTIBILITY TO. Identifiers: Orphanet 145, MedGen C2676676, MONDO:0011450, OMIM 604370. Disease mechanism: loss of function.

Submissions (2):

Evidence-based Network for the Interpretation of Germline Mutant Alleles (ENIGMA)
Classification: Pathogenic for Breast-ovarian cancer, familial, susceptibility to, 1. Last evaluated: 2016-10-18. Review status: reviewed by expert panel. Criteria: ENIGMA BRCA1/2 Classification Criteria (2015). Collection method: curation. Allele origin: germline.
Comment: Variant allele predicted to encode a truncated non-functional protein.

Consortium of Investigators of Modifiers of BRCA1/2 (CIMBA), c/o University of Cambridge
Classification: Pathogenic for Breast-ovarian cancer, familial, susceptibility to, 1. Last evaluated: 2015-10-02. Review status: criteria provided, single submitter. Criteria: CIMBA Mutation Classification guidelines May 2016. Collection method: clinical testing. Allele origin: germline. Not counted in ClinVar's aggregate classification.